The following is an entry in ClinVar:

NM_001128840.3(CACNA1D):c.1998G>A (p.Leu666=)

Gene: CACNA1D (calcium voltage-gated channel subunit alpha1 D; plus strand). Cytogenetic location: 3p21.1.
Variant type: single nucleotide variant.
Coding change: c.1998G>A on transcript NM_001128840.3 (MANE Select); coding-DNA position 1998, G replaced by A.
Protein change: p.Leu666=; no amino-acid change (leucine 666 retained).
Molecular consequence: synonymous variant.
Genome position (GRCh38, 1-based): chr3:53,723,897, G>A. VCF-style: chr3-53723897-G-A. GRCh37 (hg19) VCF-style: chr3-53757924-G-A.
Other names: c.2058G>A, p.Leu686= (NM_000720.4); c.1998G>A, p.Leu666= (NM_001128839.3).
Identifiers: ClinVar variation 504766 (VCV000504766.51), dbSNP rs146747080, ClinGen allele CA2454110.
Genomic context (GRCh38, chr3:53,723,897, plus strand): 5'-CATGAAGTCCATCGCTTCGCTGTTGCTTCTGCTTTTTCTCTTCATTATCATCTTTTCCTT[G>A]CTTGGGATGCAGCTGTTTGGCGGCAAGTTTAATTTTGATGAAACGCAAACCAAGCGGAGC-3'
Protein context (NP_001122312.1, residues 656-676): LLFLFIIIFS[Leu666=]LGMQLFGGKF

ClinVar aggregate classification (germline): Conflicting classifications of pathogenicity. Review status: criteria provided, conflicting classifications (1 of 4 stars). 9 submissions from 9 submitters: Uncertain significance (1); Benign (3); Likely benign (4). 1 of the submissions does not count toward it. Last evaluated 2026-01-27.

Conditions:
Sinoatrial node dysfunction and deafness (SANDD). Identifiers: Orphanet 324321, MedGen C3554018, MONDO:0013960, OMIM 614896.

Allele frequency attached by ClinVar (database versions not stated): 1000 Genomes Project 30x 0.00094; TOPMed 0.00112; 1000 Genomes Project 0.00120; ESP Exome Variant Server 0.00146; gnomAD 0.00180 and 0.00183; ExAC 0.00189; gnomAD exomes 0.00189 and 0.00196.
gnomAD v4.1: 2,996 of 1,614,112 alleles (0.19%); highest among the groups gnomAD compares: South Asian, 0.27%; 6 homozygotes.

Submissions (9):

Labcorp Genetics (formerly Invitae), Labcorp
Classification: Benign. Last evaluated: 2026-01-27. Review status: criteria provided, single submitter. Criteria: Invitae Variant Classification Sherloc (09022015). Collection method: clinical testing. Allele origin: germline.

CeGaT Center for Human Genetics Tuebingen
Classification: Likely benign. Last evaluated: 2025-01-01. Review status: criteria provided, single submitter. Criteria: CeGaT Center For Human Genetics Tuebingen Variant Classification Criteria Version 2. Collection method: clinical testing. Allele origin: germline. Affected: yes. Observed: 3 variant alleles.
Comment: CACNA1D: BP4

Blueprint Genetics
Classification: Likely benign. Last evaluated: 2024-11-21. Review status: criteria provided, single submitter. Criteria: ACMG Guidelines, 2015. Collection method: clinical testing. Allele origin: germline.

Genetic Services Laboratory, University of Chicago
Classification: Likely benign. Last evaluated: 2020-10-29. Review status: criteria provided, single submitter. Criteria: ACMG Guidelines, 2015. Collection method: clinical testing. Allele origin: germline. Affected: no.

GeneDx
Classification: Benign. Last evaluated: 2019-11-06. Review status: criteria provided, single submitter. Criteria: GeneDx Variant Classification Process June 2021. Collection method: clinical testing. Allele origin: germline. Affected: yes.

Eurofins Ntd Llc (ga)
Classification: Uncertain significance. Last evaluated: 2017-11-10. Review status: criteria provided, single submitter. Criteria: EGL Classification Definitions 2015. Collection method: clinical testing. Allele origin: germline. Observed: 1 variant allele, 1 heterozygote.

Clinical Genetics DNA and cytogenetics Diagnostics Lab, Erasmus MC, Erasmus Medical Center
Classification: Likely benign for Sinoatrial node dysfunction and deafness. Last evaluated: 2017-06-28. Review status: criteria provided, single submitter. Criteria: ACGS Guidelines, 2013. Collection method: clinical testing. Allele origin: germline. Affected: yes. Study: VKGL Data-share Consensus.

Laboratory for Molecular Medicine, Mass General Brigham Personalized Medicine
Classification: Benign. Last evaluated: 2016-06-05. Review status: criteria provided, single submitter. Criteria: LMM Criteria. Collection method: clinical testing. Allele origin: germline. Observed: 4 variant alleles.
Comment: p.Leu686Leu in exon 15 of CACNA1D: This variant is not expected to have clinical significance because it does not alter an amino acid residue and is not located within the splice consensus sequence. It has been identified in 0.5% (35/6614) of Finnish chromosomes by the Exome Aggregation Consortium (ExAC; dbSNP rs146747080).

Clinical Genetics, Academic Medical Center
Classification: Benign. Review status: no assertion criteria provided. Collection method: clinical testing. Allele origin: germline. Affected: yes. Study: VKGL Data-share Consensus. Not counted in ClinVar's aggregate classification.